The following is an entry in ClinVar:

NM_012330.4(KAT6B):c.3907A>G (p.Ser1303Gly)

Gene: KAT6B (lysine acetyltransferase 6B; plus strand). Cytogenetic location: 10q22.2.
Variant type: single nucleotide variant.
Coding change: c.3907A>G on transcript NM_012330.4 (MANE Select); coding-DNA position 3907, A replaced by G.
Protein change: p.Ser1303Gly; replaces serine 1303 with glycine.
Molecular consequence: missense variant.
Genome position (GRCh38, 1-based): chr10:75,028,731, A>G. VCF-style: chr10-75028731-A-G. GRCh37 (hg19) VCF-style: chr10-76788489-A-G.
Other names: c.3358A>G, p.Ser1120Gly (NM_001256468.2, NM_001370138.1); c.3031A>G, p.Ser1011Gly (NM_001256469.2, NM_001370139.1, NM_001370140.1 and 2 more transcripts); c.2869A>G, p.Ser957Gly (NM_001370132.1); c.2218A>G, p.Ser740Gly (NM_001370133.1); c.1822A>G, p.Ser608Gly (NM_001370134.1); c.1564A>G, p.Ser522Gly (NM_001370135.1); c.3907A>G, p.Ser1303Gly (NM_001370136.1, NM_001370137.1); c.2842A>G, p.Ser948Gly (NM_001370143.1, NM_001370144.1); short protein forms S1303G, S1011G, S1120G, S608G, S522G, S948G, S957G, S740G.
Identifiers: ClinVar variation 376923 (VCV000376923.5), dbSNP rs1057520090, ClinGen allele CA16603211.

ClinVar aggregate classification (germline): Conflicting classifications of pathogenicity. Review status: criteria provided, conflicting classifications (1 of 4 stars). 2 submissions from 2 submitters: Uncertain significance (1); Likely benign (1). Last evaluated 2024-04-11.

Conditions:
Genitopatellar syndrome (GTPTS). Also called: Genitopatellar syndrome (GPS); ABSENT PATELLAE, SCROTAL HYPOPLASIA, RENAL ANOMALIES, FACIAL DYSMORPHISM, AND MENTAL RETARDATION. Identifiers: Orphanet 85201, MedGen C1853566, MONDO:0011640, OMIM 606170.

Allele frequency attached by ClinVar (database versions not stated): gnomAD exomes below 0.00001.
gnomAD v4.1: 1 of 1,614,072 alleles (0.000062%); highest among the groups gnomAD compares: Non-Finnish European, 0.000085%; no homozygotes.

Submissions (2):

Labcorp Genetics (formerly Invitae), Labcorp
Classification: Uncertain significance for Genitopatellar syndrome. Last evaluated: 2024-04-11. Review status: criteria provided, single submitter. Criteria: Invitae Variant Classification Sherloc (09022015). Collection method: clinical testing. Allele origin: germline.
Comment: This sequence change replaces serine, which is neutral and polar, with glycine, which is neutral and non-polar, at codon 1303 of the KAT6B protein (p.Ser1303Gly). This variant is not present in population databases (gnomAD no frequency). This variant has not been reported in the literature in individuals affected with KAT6B-related conditions. ClinVar contains an entry for this variant (Variation ID: 376923). Advanced modeling of protein sequence and biophysical properties (such as structural, functional, and spatial information, amino acid conservation, physicochemical variation, residue mobility, and thermodynamic stability) performed at Invitae indicates that this missense variant is not expected to disrupt KAT6B protein function with a negative predictive value of 80%. In summary, the available evidence is currently insufficient to determine the role of this variant in disease. Therefore, it has been classified as a Variant of Uncertain Significance.

Center for Pediatric Genomic Medicine, Children's Mercy Hospital and Clinics
Classification: Likely benign. Last evaluated: 2017-01-25. Review status: criteria provided, single submitter. Criteria: ACMG Guidelines, 2015. Collection method: clinical testing. Allele origin: germline.
ClinVar note: Converted during submission from Likely Benign to Likely benign.